The following is an entry in ClinVar:

NM_001378454.1(ALMS1):c.5251_5391del (p.Leu1751_Gly1797del)

Gene: ALMS1 (ALMS1 centrosome and basal body associated protein; plus strand). Cytogenetic location: 2p13.1.
Variant type: Deletion.
Coding change: c.5251_5391del on transcript NM_001378454.1 (MANE Select); coding-DNA positions 5251 to 5391, 141 bases deleted.
Protein change: p.Leu1751_Gly1797del.
Molecular consequence: inframe deletion.
Genome position (GRCh38, 1-based): chr2:73,451,778-73,451,918, 141 bases deleted. GRCh37 (hg19): chr2:73,678,905-73,679,045.
Other names: c.5254_5394del, p.Leu1752_Gly1798del (NM_015120.4).
Identifiers: ClinVar variation 1413484 (VCV001413484.7), dbSNP rs2103785632, ClinGen allele CA2573135787.

ClinVar aggregate classification (germline): Uncertain significance. Review status: criteria provided, multiple submitters, no conflicts (2 of 4 stars). 2 submissions from 2 submitters: Uncertain significance (2). Last evaluated 2025-06-18.

Conditions:
Alstrom syndrome (ALMS). Identifiers: Orphanet 64, MedGen C0268425, MONDO:0008763, OMIM 203800.

Submissions (2):

Labcorp Genetics (formerly Invitae), Labcorp
Classification: Uncertain significance for Alstrom syndrome. Last evaluated: 2025-06-18. Review status: criteria provided, single submitter. Criteria: Invitae Variant Classification Sherloc (09022015). Collection method: clinical testing. Allele origin: germline.
Comment: This variant, c.5254_5394del, results in the deletion of 47 amino acid(s) of the ALMS1 protein (p.Leu1752_Gly1798del), but otherwise preserves the integrity of the reading frame. This variant is not present in population databases (gnomAD no frequency). This variant has not been reported in the literature in individuals affected with ALMS1-related conditions. Experimental studies and prediction algorithms are not available or were not evaluated, and the functional significance of this variant is currently unknown. In summary, the available evidence is currently insufficient to determine the role of this variant in disease. Therefore, it has been classified as a Variant of Uncertain Significance.

GeneDx
Classification: Uncertain significance. Last evaluated: 2024-03-01. Review status: criteria provided, single submitter. Criteria: GeneDx Variant Classification Process June 2021. Collection method: clinical testing. Allele origin: germline. Affected: yes.
Comment: Not observed at significant frequency in large population cohorts (gnomAD); In-frame deletion of 47 amino acids in a repeat region; Has not been previously published as pathogenic or benign to our knowledge